The following is an entry in ClinVar:

ClinVar aggregate classification (germline): Pathogenic (1 of 4 stars; one submission).

Conditions:
Epidermodysplasia verruciformis. Identifiers: Orphanet 302, MedGen C0014522, MONDO:0009176.

Allele frequency attached by ClinVar (database versions not stated): TOPMed 0.00001; gnomAD 0.00001.
gnomAD v4.1: 2 of 1,589,788 alleles (0.00013%); highest among the groups gnomAD compares: African/African-American, 0.0027%; no homozygotes.

Submission:

Labcorp Genetics (formerly Invitae), Labcorp
Classification: Pathogenic for Epidermodysplasia verruciformis. Last evaluated: 2020-12-11. Review status: criteria provided, single submitter. Criteria: Invitae Variant Classification Sherloc (09022015). Collection method: clinical testing. Allele origin: germline.
Comment: This sequence change creates a premature translational stop signal (p.Gln64*) in the TMC6 gene. It is expected to result in an absent or disrupted protein product. Loss-of-function variants in TMC6 are known to be pathogenic (PMID: 15042430, 17139267). This variant is not present in population databases (ExAC no frequency). This variant has not been reported in the literature in individuals with TMC6-related conditions. For these reasons, this variant has been classified as Pathogenic.

Literature cited by the submitters: PubMed 15042430; PubMed 17139267.

NM_001127198.5(TMC6):c.190C>T (p.Gln64Ter)

Gene: TMC6 (transmembrane channel like 6; minus strand). Cytogenetic location: 17q25.3.
Variant type: single nucleotide variant.
Coding change: c.190C>T on transcript NM_001127198.5 (MANE Select); coding-DNA position 190, C replaced by T.
Protein change: p.Gln64Ter; replaces glutamine 64 with a stop codon.
Molecular consequence: nonsense. On other transcripts: non-coding transcript variant (4).
Genome position (GRCh38, 1-based): chr17:78,126,358, G>A on the plus strand (C>T on the coding strand, the complement: TMC6 is on the minus strand). VCF-style: chr17-78126358-G-A. GRCh37 (hg19) VCF-style: chr17-76122439-G-A.
Other names: c.190C>T, p.Gln64Ter (NM_001321185.1, NM_001374593.1, NM_001374594.1 and 4 more transcripts); short protein forms Q64*.
Identifiers: ClinVar variation 1455852 (VCV001455852.1), dbSNP rs1296234074, ClinGen allele CA401236213.